The following is an entry in ClinVar:

ClinVar aggregate classification (germline): Uncertain significance (1 of 4 stars; one submission).

Conditions:
Hereditary cancer-predisposing syndrome. Also called: Neoplastic Syndromes, Hereditary; Tumor predisposition; Hereditary Cancer Syndrome; Hereditary neoplastic syndrome. Identifiers: Orphanet 140162, MedGen C0027672, MeSH D009386, MONDO:0015356.

Allele frequency attached by ClinVar (database versions not stated): TOPMed below 0.00001; gnomAD 0.00001.
gnomAD v4.1: 1 of 1,613,606 alleles (0.000062%); highest among the groups gnomAD compares: Non-Finnish European, 0.000085%; no homozygotes.

Submission:

Color Diagnostics, LLC DBA Color Health
Classification: Uncertain significance for Hereditary cancer-predisposing syndrome. Last evaluated: 2023-12-05. Review status: criteria provided, single submitter. Criteria: ACMG Guidelines, 2015. Collection method: clinical testing. Allele origin: germline.
Comment: This missense variant replaces asparagine with threonine at codon 306 of the BARD1 protein. Computational prediction suggests that this variant may not impact protein structure and function (internally defined REVEL score threshold <= 0.5, PMID: 27666373). To our knowledge, functional studies have not been reported for this variant. This variant has not been reported in individuals affected with BARD1-related disorders in the literature. This variant has not been identified in the general population by the Genome Aggregation Database (gnomAD). The available evidence is insufficient to determine the role of this variant in disease conclusively. Therefore, this variant is classified as a Variant of Uncertain Significance.

NM_000465.4(BARD1):c.917A>C (p.Asn306Thr)

Gene: BARD1 (BRCA1 associated RING domain 1; minus strand). Cytogenetic location: 2q35.
Variant type: single nucleotide variant.
Coding change: c.917A>C on transcript NM_000465.4 (MANE Select); coding-DNA position 917, A replaced by C.
Protein change: p.Asn306Thr; replaces asparagine 306 with threonine.
Molecular consequence: missense variant. On other transcripts: non-coding transcript variant (2), intron variant (3).
Genome position (GRCh38, 1-based): chr2:214,780,957, T>G on the plus strand (A>C on the coding strand, the complement: BARD1 is on the minus strand). VCF-style: chr2-214780957-T-G. GRCh37 (hg19) VCF-style: chr2-215645681-T-G.
Other names: c.860A>C, p.Asn287Thr (NM_001282543.2); c.159-28402A>C (NM_001282548.2); c.215+16104A>C (NM_001282545.2); c.364+11340A>C (NM_001282549.2); short protein forms N287T, N306T.
Identifiers: ClinVar variation 920579 (VCV000920579.4), dbSNP rs1326117428, ClinGen allele CA350455083.